The following is an entry in ClinVar:

ClinVar aggregate classification (germline): Conflicting classifications of pathogenicity. Review status: criteria provided, conflicting classifications (1 of 4 stars). 3 submissions from 3 submitters: Likely pathogenic (2); Uncertain significance (1). Last evaluated 2024-12-18.

Conditions:
Skraban-Deardorff syndrome. Also called: INTELLECTUAL DISABILITY WITH SEIZURES, ABNORMAL GAIT, AND DISTINCTIVE FACIAL FEATURES; WDR26-Related Intellectual Disability. Identifiers: Orphanet 513456, MedGen C4539927, MONDO:0054636, OMIM 617616.
Microcephaly 2, primary, autosomal recessive, with or without cortical malformations. Also called: MICROCEPHALY 2, PRIMARY, AUTOSOMAL RECESSIVE, WITH CORTICAL MALFORMATIONS; WDR62 Primary Microcephaly. Identifiers: Orphanet 2512, MedGen C1858535, MONDO:0011435, OMIM 604317.

Allele frequency attached by ClinVar (database versions not stated): ExAC below 0.00001; gnomAD exomes below 0.00001; gnomAD 0.00002; ESP Exome Variant Server 0.00008.
gnomAD v4.1: 6 of 1,613,704 alleles (0.00037%); highest among the groups gnomAD compares: African/African-American, 0.0067%; no homozygotes.

Submissions (3):

Genomic Medicine Center of Excellence, King Faisal Specialist Hospital and Research Centre
Classification: Likely pathogenic for Skraban-Deardorff syndrome. Last evaluated: 2024-12-18. Review status: criteria provided, single submitter. Criteria: ACMG Guidelines, 2015. Collection method: clinical testing. Allele origin: germline.

Groupe Hospitalier Pitie Salpetriere, Uf Genomique Du Developpement, Assistance Publique Hopitaux de Paris Sorbonne Université
Classification: Likely pathogenic for Microcephaly 2, primary, autosomal recessive, with or without cortical malformations. Last evaluated: 2022-02-01. Review status: criteria provided, single submitter. Criteria: ACMG Guidelines, 2015. Collection method: clinical testing. Allele origin: germline. Affected: yes.
Comment: This variant is absent or extremely rare in population databases (PM2_supp), for recessive disorders detected in trans with a pathogenic variant (PM3), multiple lines of computational evidence support a deleterious effect on the gene or gene product (PP3), the patients phenotype or family history is highly specific for a disease with a single genetic etiology (PP4) and reported as pathogenic by a reputable source though evidence isnt available for independent evaluation (PP5)

Baylor Genetics
Classification: Uncertain significance for Microcephaly 2, primary, autosomal recessive, with or without cortical malformations. Last evaluated: 2019-12-04. Review status: criteria provided, single submitter. Criteria: ACMG Guidelines, 2015. Collection method: clinical testing. Allele origin: unknown. Affected: yes.
Comment: This variant was determined to be of uncertain significance according to ACMG Guidelines, 2015 [PMID:25741868].

NM_001083961.2(WDR62):c.2515C>T (p.Arg839Trp)

Gene: WDR62 (WD repeat domain 62; plus strand). Cytogenetic location: 19q13.12.
Variant type: single nucleotide variant.
Coding change: c.2515C>T on transcript NM_001083961.2 (MANE Select); coding-DNA position 2515, C replaced by T.
Protein change: p.Arg839Trp; replaces arginine 839 with tryptophan.
Molecular consequence: missense variant.
Genome position (GRCh38, 1-based): chr19:36,097,074, C>T. VCF-style: chr19-36097074-C-T. GRCh37 (hg19) VCF-style: chr19-36587976-C-T.
Other names: c.2515C>T, p.Arg839Trp (NM_173636.5); short protein forms R839W.
Identifiers: ClinVar variation 242540 (VCV000242540.4), dbSNP rs377731205, ClinGen allele CA054127.